The following is an entry in ClinVar:

ClinVar aggregate classification (germline): Pathogenic (1 of 4 stars; one submission).

Submission:

Labcorp Genetics (formerly Invitae), Labcorp
Classification: Pathogenic. Last evaluated: 2025-12-10. Review status: criteria provided, single submitter. Criteria: Invitae Variant Classification Sherloc (09022015). Collection method: clinical testing. Allele origin: germline.
Comment: This sequence change creates a premature translational stop signal (p.Ser238Phefs*21) in the AGT gene. It is expected to result in an absent or disrupted protein product. Loss-of-function variants in AGT are known to be pathogenic (PMID: 11096065, 17036344, 31718018). This variant is not present in population databases (gnomAD no frequency). This variant has not been reported in the literature in individuals affected with AGT-related conditions. For these reasons, this variant has been classified as Pathogenic.

Literature cited by the submitters: PubMed 11096065; PubMed 17036344; PubMed 31718018.

NM_001384479.1(AGT):c.686del (p.Ser229fs)

Gene: AGT (angiotensinogen; minus strand). Cytogenetic location: 1q42.2.
Variant type: Deletion.
Coding change: c.686del on transcript NM_001384479.1 (MANE Select); coding-DNA position 686, one base deleted (C; older notation c.686delC).
Protein change: p.Ser229fs; shifts the reading frame from serine 229.
Molecular consequence: frameshift variant.
Genome position (GRCh38, 1-based): chr1:230,710,138, G deleted on the plus strand (C on the coding strand, the reverse complement: AGT is on the minus strand). VCF-style (leftmost placement, unchanged base first): chr1-230710137-AG-A. GRCh37 (hg19) VCF-style: chr1-230845883-AG-A.
Other names: c.686del, p.Ser229fs (NM_001382817.3); short protein forms S229fs.
Identifiers: ClinVar variation 4732454 (VCV004732454.1).